The following is an entry in ClinVar:

ClinVar aggregate classification (germline): Pathogenic (1 of 4 stars; one submission).

Submission:

Labcorp Genetics (formerly Invitae), Labcorp
Classification: Pathogenic. Last evaluated: 2022-08-10. Review status: criteria provided, single submitter. Criteria: Invitae Variant Classification Sherloc (09022015). Collection method: clinical testing. Allele origin: germline.
Comment: This variant is present in population databases (rs773036590, gnomAD no frequency). This sequence change creates a premature translational stop signal (p.Gly59Valfs*13) in the CLRN1 gene. It is expected to result in an absent or disrupted protein product. Loss-of-function variants in CLRN1 are known to be pathogenic (PMID: 11524702, 24498627). This premature translational stop signal has been observed in individual(s) with Usher syndrome (PMID: 27460420). For these reasons, this variant has been classified as Pathogenic.

Literature cited by the submitters: PubMed 11524702; PubMed 24498627; PubMed 27460420.

NM_174878.3(CLRN1):c.176del (p.Gly59fs)

Gene: CLRN1 (clarin 1; minus strand). Cytogenetic location: 3q25.1.
Variant type: Deletion.
Coding change: c.176del on transcript NM_174878.3 (MANE Select); coding-DNA position 176, one base deleted (G; older notation c.176delG).
Protein change: p.Gly59fs; shifts the reading frame from glycine 59.
Molecular consequence: frameshift variant. On other transcripts: non-coding transcript variant (1).
Genome position (GRCh38, 1-based): chr3:150,972,533, C deleted on the plus strand (G on the coding strand, the reverse complement: CLRN1 is on the minus strand); the first of 3 consecutive C bases (chr3:150,972,533-150,972,535); deleting any one gives the same sequence. VCF-style (leftmost placement, unchanged base first): chr3-150972532-AC-A. GRCh37 (hg19) VCF-style: chr3-150690319-AC-A.
Other names: c.176del, p.Gly59fs (NM_001195794.1, NM_001256819.2); short protein forms G59fs.
Identifiers: ClinVar variation 2203454 (VCV002203454.4), dbSNP rs773036590, ClinGen allele CA2666197.